The following is an entry in ClinVar:

NM_002256.4(KISS1):c.345C>G (p.Asn115Lys)

Gene: KISS1 (KiSS-1 metastasis suppressor; minus strand). Cytogenetic location: 1q32.1.
Variant type: single nucleotide variant.
Coding change: c.345C>G on transcript NM_002256.4 (MANE Select); coding-DNA position 345, C replaced by G.
Protein change: p.Asn115Lys; replaces asparagine 115 with lysine.
Molecular consequence: missense variant.
Genome position (GRCh38, 1-based): chr1:204,190,556, G>C on the plus strand (C>G on the coding strand, the complement: KISS1 is on the minus strand). VCF-style: chr1-204190556-G-C. GRCh37 (hg19) VCF-style: chr1-204159684-G-C.
Other names: short protein forms N115K.
Identifiers: ClinVar variation 3381872 (VCV003381872.2).

ClinVar aggregate classification (germline): Likely pathogenic (1 of 4 stars; one submission).

Conditions:
Hypogonadotropic hypogonadism 13 with or without anosmia (HH13). Also called: KISS1-Related GnRH Deficiency. Identifiers: Orphanet 432, MedGen C3541462, MONDO:0013915, OMIM 614842.

Submission:

Juno Genomics, Hangzhou Juno Genomics, Inc
Classification: Likely pathogenic for Hypogonadotropic hypogonadism 13 with or without anosmia. Review status: criteria provided, single submitter. Criteria: ACMG Guidelines, 2015. Collection method: clinical testing. Allele origin: germline. Affected: yes.
Comment: Absent from controls (or at extremely low frequency if recessive) in Genome Aggregation Database, Exome Sequencing Project, 1000 Genomes Project, or Exome Aggregation Consortium.;For recessive disorders, detected in trans with a pathogenic variant.;Co-segregation with disease in multiple affected family members in a gene definitively known to cause the disease.;Patient's phenotype or family history is highly specific for a disease with a single genetic etiology.;Multiple lines of computational evidence support a deleterious effect on the gene or gene product (conservation, evolutionary, splicing impact, etc).